The following is an entry in ClinVar:

ClinVar aggregate classification (germline): Likely pathogenic. Review status: criteria provided, multiple submitters, no conflicts (2 of 4 stars). 2 submissions from 2 submitters: Likely pathogenic (2). Last evaluated 2025-04-07.

Conditions:
Hereditary cancer-predisposing syndrome. Also called: Neoplastic Syndromes, Hereditary; Tumor predisposition; Hereditary Cancer Syndrome; Hereditary neoplastic syndrome. Identifiers: Orphanet 140162, MedGen C0027672, MeSH D009386, MONDO:0015356.
Familial cancer of breast. Also called: BREAST CANCER, FAMILIAL; Hereditary breast cancer; hereditary breast carcinoma. Identifiers: Orphanet 227535, MedGen C0346153, MONDO:0016419, OMIM 114480. Disease mechanism: loss of function.

Submissions (2):

Myriad Genetics, Inc.
Classification: Likely pathogenic for Familial cancer of breast. Last evaluated: 2025-04-07. Review status: criteria provided, single submitter. Criteria: Myriad Autosomal Dominant, Autosomal Recessive and X-Linked Classification Criteria (2023). Collection method: clinical testing. Allele origin: unknown.
Comment: This variant is considered likely pathogenic. This variant occurs within a consensus splice junction and is predicted to result in abnormal mRNA splicing of either an out-of-frame exon or an in-frame exon necessary for protein stability and/or normal function.

Ambry Genetics
Classification: Likely pathogenic for Hereditary cancer-predisposing syndrome. Last evaluated: 2019-04-30. Review status: criteria provided, single submitter. Criteria: Ambry Variant Classification Scheme 2023. Collection method: clinical testing. Allele origin: germline.
Comment: The c.158+1G>C intronic variant results from a G to C substitution one nucleotide after coding exon 1 of the BARD1 gene. This nucleotide position is highly conserved in available vertebrate species. Using the BDGP and ESEfinder splice site prediction tools, this alteration is predicted to abolish the native splice donor site; however, direct evidence is unavailable. Alterations that disrupt the canonical splice site are expected to cause aberrant splicing, resulting in an abnormal protein or a transcript that is subject to nonsense-mediated mRNA decay. As such, this alteration is classified as likely pathogenic.

NM_000465.4(BARD1):c.158+1G>C

Gene: BARD1 (BRCA1 associated RING domain 1; minus strand). Cytogenetic location: 2q35.
Variant type: single nucleotide variant.
Coding change: c.158+1G>C on transcript NM_000465.4 (MANE Select); the canonical splice donor site of the intron after coding-DNA position 158, G replaced by C.
Molecular consequence: splice donor variant.
Genome position (GRCh38, 1-based): chr2:214,809,411, C>G on the plus strand (G>C on the coding strand, the complement: BARD1 is on the minus strand). VCF-style: chr2-214809411-C-G. GRCh37 (hg19) VCF-style: chr2-215674135-C-G.
Other names: c.158+1G>C (NM_001282548.2, NM_001282543.2, NM_001282545.2 and 1 more transcripts).
Identifiers: ClinVar variation 819582 (VCV000819582.5), dbSNP rs1553628351, ClinGen allele CA350464687.